The following is an entry in ClinVar:

ClinVar aggregate classification (germline): Uncertain significance (1 of 4 stars; one submission).

Allele frequency attached by ClinVar (database versions not stated): 1000 Genomes Project 30x 0.00016; ExAC 0.00073; TOPMed 0.00019; gnomAD exomes 0.00049; gnomAD 0.00022.
gnomAD v4.1: 258 of 1,539,760 alleles (0.017%); highest among the groups gnomAD compares: Admixed American, 0.054%; 1 homozygote.

Submission:

GeneDx
Classification: Uncertain significance. Last evaluated: 2025-04-17. Review status: criteria provided, single submitter. Criteria: GeneDx Variant Classification Process June 2021. Collection method: clinical testing. Allele origin: germline. Affected: yes.
Comment: In silico analysis indicates that this missense variant does not alter protein structure/function; Has not been previously published as pathogenic or benign to our knowledge

NM_001145026.2(PTPRQ):c.5355A>G (p.Ile1785Met)

Gene: PTPRQ (protein tyrosine phosphatase receptor type Q; plus strand). Cytogenetic location: 12q21.31.
Variant type: single nucleotide variant.
Coding change: c.5355A>G on transcript NM_001145026.2 (MANE Select); coding-DNA position 5355, A replaced by G.
Protein change: p.Ile1785Met; replaces isoleucine 1785 with methionine.
Molecular consequence: missense variant.
Genome position (GRCh38, 1-based): chr12:80,619,508, A>G. VCF-style: chr12-80619508-A-G. GRCh37 (hg19) VCF-style: chr12-81013287-A-G.
Other names: short protein forms I1785M.
Identifiers: ClinVar variation 1301188 (VCV001301188.5), dbSNP rs750350145, ClinGen allele CA6702820.